The following is an entry in ClinVar:

ClinVar aggregate classification (germline): Uncertain significance (1 of 4 stars; one submission).

Allele frequency attached by ClinVar (database versions not stated): gnomAD exomes 0.00001 and 0.00004; TOPMed 0.00001; ExAC 0.00004.
gnomAD v4.1: 20 of 1,605,546 alleles (0.0012%); highest among the groups gnomAD compares: South Asian, 0.019%; no homozygotes.

Submission:

Labcorp Genetics (formerly Invitae), Labcorp
Classification: Uncertain significance. Last evaluated: 2022-02-24. Review status: criteria provided, single submitter. Criteria: Invitae Variant Classification Sherloc (09022015). Collection method: clinical testing. Allele origin: germline.
Comment: This sequence change replaces tyrosine, which is neutral and polar, with cysteine, which is neutral and slightly polar, at codon 552 of the ERBIN protein (p.Tyr552Cys). Algorithms developed to predict the effect of missense changes on protein structure and function output the following: SIFT: "Deleterious"; PolyPhen-2: "Possibly Damaging"; Align-GVGD: "Class C0". The cysteine amino acid residue is found in multiple mammalian species, which suggests that this missense change does not adversely affect protein function. In summary, the available evidence is currently insufficient to determine the role of this variant in disease. Therefore, it has been classified as a Variant of Uncertain Significance. Algorithms developed to predict the effect of sequence changes on RNA splicing suggest that this variant may create or strengthen a splice site. This variant has not been reported in the literature in individuals affected with ERBIN-related conditions. This variant is present in population databases (rs750344725, gnomAD 0.02%).

NM_001253697.2(ERBIN):c.1655A>G (p.Tyr552Cys)

Gene: ERBIN (erbb2 interacting protein; plus strand). Cytogenetic location: 5q12.3.
Variant type: single nucleotide variant.
Coding change: c.1655A>G on transcript NM_001253697.2 (MANE Select); coding-DNA position 1655, A replaced by G.
Protein change: p.Tyr552Cys; replaces tyrosine 552 with cysteine.
Molecular consequence: missense variant.
Genome position (GRCh38, 1-based): chr5:66,046,405, A>G. VCF-style: chr5-66046405-A-G. GRCh37 (hg19) VCF-style: chr5-65342233-A-G.
Other names: c.1655A>G, p.Tyr552Cys (NM_001006600.3, NM_001253698.2, NM_001253699.2 and 1 more transcripts); c.1643A>G, p.Tyr548Cys (NM_001253701.2); short protein forms Y548C, Y552C.
Identifiers: ClinVar variation 1475759 (VCV001475759.8), dbSNP rs750344725, ClinGen allele CA3286313.